The following is an entry in ClinVar:

NM_001242896.3(DEPDC5):c.458G>A (p.Cys153Tyr)

Gene: DEPDC5 (DEP domain containing 5, GATOR1 subcomplex subunit; plus strand). Cytogenetic location: 22q12.2.
Variant type: single nucleotide variant.
Coding change: c.458G>A on transcript NM_001242896.3 (MANE Select); coding-DNA position 458, G replaced by A.
Protein change: p.Cys153Tyr; replaces cysteine 153 with tyrosine.
Molecular consequence: missense variant. On other transcripts: non-coding transcript variant (5).
Genome position (GRCh38, 1-based): chr22:31,778,143, G>A. VCF-style: chr22-31778143-G-A. GRCh37 (hg19) VCF-style: chr22-32174129-G-A.
Other names: c.458G>A, p.Cys153Tyr (NM_001007188.4, NM_001136029.4, NM_001242897.2 and 7 more transcripts); c.374G>A, p.Cys125Tyr (NM_001369901.1, NM_001369902.1); short protein forms C153Y, C125Y.
Identifiers: ClinVar variation 1425518 (VCV001425518.6), dbSNP rs2148328919, ClinGen allele CA411284483.

ClinVar aggregate classification (germline): Uncertain significance (1 of 4 stars; one submission).

Conditions:
Familial focal epilepsy with variable foci (FPEVF). Identifiers: Orphanet 98820, MedGen C1858477, MONDO:0020310.

Submission:

Labcorp Genetics (formerly Invitae), Labcorp
Classification: Uncertain significance for Familial focal epilepsy with variable foci. Last evaluated: 2022-07-25. Review status: criteria provided, single submitter. Criteria: Invitae Variant Classification Sherloc (09022015). Collection method: clinical testing. Allele origin: germline.
Comment: In summary, the available evidence is currently insufficient to determine the role of this variant in disease. Therefore, it has been classified as a Variant of Uncertain Significance. Algorithms developed to predict the effect of missense changes on protein structure and function are either unavailable or do not agree on the potential impact of this missense change (SIFT: "Deleterious"; PolyPhen-2: "Not Available"; Align-GVGD: "Class C65"). ClinVar contains an entry for this variant (Variation ID: 1425518). This variant has not been reported in the literature in individuals affected with DEPDC5-related conditions. This variant is not present in population databases (gnomAD no frequency). This sequence change replaces cysteine, which is neutral and slightly polar, with tyrosine, which is neutral and polar, at codon 153 of the DEPDC5 protein (p.Cys153Tyr).